The following is an entry in ClinVar:

ClinVar aggregate classification (germline): Uncertain significance (1 of 4 stars; one submission).

Allele frequency attached by ClinVar (database versions not stated): gnomAD exomes below 0.00001; TOPMed below 0.00001.
gnomAD v4.1: 3 of 1,584,300 alleles (0.00019%); highest among the groups gnomAD compares: Non-Finnish European, 0.00026%; no homozygotes.

Submission:

Labcorp Genetics (formerly Invitae), Labcorp
Classification: Uncertain significance. Last evaluated: 2022-10-27. Review status: criteria provided, single submitter. Criteria: Invitae Variant Classification Sherloc (09022015). Collection method: clinical testing. Allele origin: germline.
Comment: In summary, the available evidence is currently insufficient to determine the role of this variant in disease. Therefore, it has been classified as a Variant of Uncertain Significance. Advanced modeling of protein sequence and biophysical properties (such as structural, functional, and spatial information, amino acid conservation, physicochemical variation, residue mobility, and thermodynamic stability) performed at Invitae indicates that this missense variant is not expected to disrupt C3 protein function. ClinVar contains an entry for this variant (Variation ID: 1520935). This variant has not been reported in the literature in individuals affected with C3-related conditions. This variant is not present in population databases (gnomAD no frequency). This sequence change replaces lysine, which is basic and polar, with arginine, which is basic and polar, at codon 812 of the C3 protein (p.Lys812Arg).

NM_000064.4(C3):c.2435A>G (p.Lys812Arg)

Gene: C3 (complement C3; minus strand). Cytogenetic location: 19p13.3.
Variant type: single nucleotide variant.
Coding change: c.2435A>G on transcript NM_000064.4 (MANE Select); coding-DNA position 2435, A replaced by G.
Protein change: p.Lys812Arg; replaces lysine 812 with arginine.
Molecular consequence: missense variant.
Genome position (GRCh38, 1-based): chr19:6,702,132, T>C on the plus strand (A>G on the coding strand, the complement: C3 is on the minus strand). VCF-style: chr19-6702132-T-C. GRCh37 (hg19) VCF-style: chr19-6702143-T-C.
Other names: short protein forms K812R.
Identifiers: ClinVar variation 1520935 (VCV001520935.6), dbSNP rs1162803547, ClinGen allele CA403634915.